The following is an entry in ClinVar:

NM_002386.4(MC1R):c.323C>A (p.Ala108Asp)

Gene: MC1R (melanocortin 1 receptor; plus strand). Cytogenetic location: 16q24.3.
Variant type: single nucleotide variant.
Coding change: c.323C>A on transcript NM_002386.4 (MANE Select); coding-DNA position 323, C replaced by A.
Protein change: p.Ala108Asp; replaces alanine 108 with aspartic acid.
Molecular consequence: missense variant.
Genome position (GRCh38, 1-based): chr16:89,919,581, C>A. VCF-style: chr16-89919581-C-A. GRCh37 (hg19) VCF-style: chr16-89985989-C-A.
Other names: c.323C>A (NM_002386.3); short protein forms A108D.
Identifiers: ClinVar variation 2906189 (VCV002906189.4), dbSNP rs1195733358, ClinGen allele CA397460322.

ClinVar aggregate classification (germline): Uncertain significance. Review status: criteria provided, multiple submitters, no conflicts (2 of 4 stars). 2 submissions from 2 submitters: Uncertain significance (2). Last evaluated 2026-06-28.

Conditions:
Melanoma, cutaneous malignant, susceptibility to, 5. Also called: Cutaneous malignant melanoma 5. Identifiers: Orphanet 618, MedGen C2751295, MONDO:0013133, OMIM 613099.

Submissions (2):

Ambry Genetics
Classification: Uncertain significance. Last evaluated: 2026-06-28. Review status: criteria provided, single submitter. Criteria: Ambry Variant Classification Scheme 2023. Collection method: clinical testing. Allele origin: germline.
Comment: The p.A108D variant (also known as c.323C>A), located in coding exon 1 of the MC1R gene, results from a C to A substitution at nucleotide position 323. The alanine at codon 108 is replaced by aspartic acid, an amino acid with dissimilar properties. This amino acid position is conserved. In addition, this alteration is predicted to be tolerated by in silico analysis. Based on the available evidence, the clinical significance of this variant remains unclear.

Labcorp Genetics (formerly Invitae), Labcorp
Classification: Uncertain significance for Melanoma, cutaneous malignant, susceptibility to, 5. Last evaluated: 2023-03-07. Review status: criteria provided, single submitter. Criteria: Invitae Variant Classification Sherloc (09022015). Collection method: clinical testing. Allele origin: germline.
Comment: This variant has not been reported in the literature in individuals affected with MC1R-related conditions. In summary, the available evidence is currently insufficient to determine the role of this variant in disease. Therefore, it has been classified as a Variant of Uncertain Significance. Advanced modeling of protein sequence and biophysical properties (such as structural, functional, and spatial information, amino acid conservation, physicochemical variation, residue mobility, and thermodynamic stability) performed at Invitae indicates that this missense variant is not expected to disrupt MC1R protein function. This variant is not present in population databases (gnomAD no frequency). This sequence change replaces alanine, which is neutral and non-polar, with aspartic acid, which is acidic and polar, at codon 108 of the MC1R protein (p.Ala108Asp).